The following is an entry in ClinVar:

NM_001374259.2(IL12RB2):c.2090C>G (p.Pro697Arg)

Gene: IL12RB2 (interleukin 12 receptor subunit beta 2; plus strand). Cytogenetic location: 1p31.3.
Variant type: single nucleotide variant.
Coding change: c.2090C>G on transcript NM_001374259.2 (MANE Select); coding-DNA position 2090, C replaced by G.
Protein change: p.Pro697Arg; replaces proline 697 with arginine.
Molecular consequence: missense variant. On other transcripts: 3 prime UTR variant (2), synonymous variant (1), non-coding transcript variant (2).
Genome position (GRCh38, 1-based): chr1:67,395,590, C>G. VCF-style: chr1-67395590-C-G. GRCh37 (hg19) VCF-style: chr1-67861273-C-G.
Other names: c.*10C>G (NM_001258214.1, NM_001319233.1); c.1832C>G, p.Pro611Arg (NM_001258215.1); c.1899C>G, p.Ala633= (NM_001258216.1); c.2090C>G, p.Pro697Arg (NM_001559.3); short protein forms P611R, P697R.
Identifiers: ClinVar variation 1413576 (VCV001413576.8), dbSNP rs376086673, ClinGen allele CA900668.

ClinVar aggregate classification (germline): Uncertain significance (1 of 4 stars; one submission).

Allele frequency attached by ClinVar (database versions not stated): ExAC 0.00001; gnomAD exomes 0.00001; gnomAD 0.00002; TOPMed 0.00002; ESP Exome Variant Server 0.00008.
gnomAD v4.1: 58 of 1,614,086 alleles (0.0036%); highest among the groups gnomAD compares: Non-Finnish European, 0.0047%; no homozygotes.

Submission:

Labcorp Genetics (formerly Invitae), Labcorp
Classification: Uncertain significance. Last evaluated: 2025-08-06. Review status: criteria provided, single submitter. Criteria: Invitae Variant Classification Sherloc (09022015). Collection method: clinical testing. Allele origin: germline.
Comment: This sequence change replaces proline, which is neutral and non-polar, with arginine, which is basic and polar, at codon 697 of the IL12RB2 protein (p.Pro697Arg). This variant is present in population databases (rs376086673, gnomAD 0.002%). This variant has not been reported in the literature in individuals affected with IL12RB2-related conditions. ClinVar contains an entry for this variant (Variation ID: 1413576). An algorithm developed to predict the effect of missense changes on protein structure and function (PolyPhen-2) suggests that this variant is likely to be tolerated. In summary, the available evidence is currently insufficient to determine the role of this variant in disease. Therefore, it has been classified as a Variant of Uncertain Significance.